The following is an entry in ClinVar:

ClinVar aggregate classification (germline): Uncertain significance (1 of 4 stars; one submission).

Submission:

GeneDx
Classification: Uncertain significance. Last evaluated: 2022-08-22. Review status: criteria provided, single submitter. Criteria: GeneDx Variant Classification Process June 2021. Collection method: clinical testing. Allele origin: germline. Affected: yes.
Comment: Has not been previously published as pathogenic or benign to our knowledge; Not observed at significant frequency in large population cohorts (gnomAD); In silico analysis supports that this missense variant has a deleterious effect on protein structure/function

NM_000141.5(FGFR2):c.109G>C (p.Glu37Gln)

Gene: FGFR2 (fibroblast growth factor receptor 2; minus strand). Cytogenetic location: 10q26.13.
Variant type: single nucleotide variant.
Coding change: c.109G>C on transcript NM_000141.5 (MANE Select); coding-DNA position 109, G replaced by C.
Protein change: p.Glu37Gln; replaces glutamic acid 37 with glutamine.
Molecular consequence: missense variant. On other transcripts: non-coding transcript variant (1).
Genome position (GRCh38, 1-based): chr10:121,593,709, C>G on the plus strand (G>C on the coding strand, the complement: FGFR2 is on the minus strand). VCF-style: chr10-121593709-C-G. GRCh37 (hg19) VCF-style: chr10-123353223-C-G.
Other names: c.109G>C, p.Glu37Gln (NM_001144913.1, NM_001144914.1, NM_001144917.2 and 2 more transcripts); c.109G>C, p.Asp37His (NM_001144915.2, NM_001144919.2, NM_023029.3); c.109G>C, p.Gly37Arg (NM_001144916.2, NM_001144918.2); short protein forms D37H, E37Q, G37R.
Identifiers: ClinVar variation 2430583 (VCV002430583.1), dbSNP rs2135481826, ClinGen allele CA378327721.